The following is an entry in ClinVar:

NM_003664.5(AP3B1):c.869C>T (p.Pro290Leu)

Gene: AP3B1 (adaptor related protein complex 3 subunit beta 1; minus strand). Cytogenetic location: 5q14.1.
Variant type: single nucleotide variant.
Coding change: c.869C>T on transcript NM_003664.5 (MANE Select); coding-DNA position 869, C replaced by T.
Protein change: p.Pro290Leu; replaces proline 290 with leucine.
Molecular consequence: missense variant.
Genome position (GRCh38, 1-based): chr5:78,181,580, G>A on the plus strand (C>T on the coding strand, the complement: AP3B1 is on the minus strand). VCF-style: chr5-78181580-G-A. GRCh37 (hg19) VCF-style: chr5-77477404-G-A.
Other names: c.722C>T, p.Pro241Leu (NM_001271769.2); short protein forms P290L, P241L.
Identifiers: ClinVar variation 533471 (VCV000533471.13), dbSNP rs759296897, ClinGen allele CA3317272.
Genomic context (GRCh38, chr5:78,181,580, plus strand): 5'-CTCTGAAGCAAAGGCTTTGTATTTCTAATTAAGAGTCTATGATCTGGATCCATAGTATAC[G>A]GCTTCTTCTTTTTGTCAGTCTTTTCCTTCTGATCATCATCAGATTCGTAGAAATTCTTTC-3'
Protein context (NP_003655.3, residues 280-300): QKEKTDKKKK[Pro290Leu]YTMDPDHRLL

ClinVar aggregate classification (germline): Uncertain significance. Review status: criteria provided, multiple submitters, no conflicts (2 of 4 stars). 4 submissions from 4 submitters: Uncertain significance (4). Last evaluated 2025-01-23.

Conditions:
Hermansky-Pudlak syndrome 2 (HPS2). Also called: Platelet defects and oculocutaneous albinism. Identifiers: Orphanet 183678, Orphanet 79430, MedGen C1842362, MONDO:0011997, OMIM 608233.
Autoinflammatory syndrome. Identifiers: Orphanet 93665, MedGen C3890737, MONDO:0019751.

Allele frequency attached by ClinVar (database versions not stated): gnomAD 0.00001; ExAC 0.00002; gnomAD exomes 0.00002 and 0.00003; TOPMed 0.00004.
gnomAD v4.1: 38 of 1,612,202 alleles (0.0024%); highest among the groups gnomAD compares: East Asian, 0.016%; no homozygotes.

Submissions (4):

Labcorp Genetics (formerly Invitae), Labcorp
Classification: Uncertain significance for Hermansky-Pudlak syndrome 2. Last evaluated: 2025-01-23. Review status: criteria provided, single submitter. Criteria: Invitae Variant Classification Sherloc (09022015). Collection method: clinical testing. Allele origin: germline.
Comment: This sequence change replaces proline, which is neutral and non-polar, with leucine, which is neutral and non-polar, at codon 290 of the AP3B1 protein (p.Pro290Leu). This variant is present in population databases (rs759296897, gnomAD 0.03%). This variant has not been reported in the literature in individuals affected with AP3B1-related conditions. ClinVar contains an entry for this variant (Variation ID: 533471). An algorithm developed to predict the effect of missense changes on protein structure and function (PolyPhen-2) suggests that this variant¬†is likely to be tolerated. In summary, the available evidence is currently insufficient to determine the role of this variant in disease. Therefore, it has been classified as a Variant of Uncertain Significance.

Blueprint Genetics
Classification: Uncertain significance. Last evaluated: 2023-09-16. Review status: criteria provided, single submitter. Criteria: ACMG Guidelines, 2015. Collection method: clinical testing. Allele origin: germline.

Fulgent Genetics
Classification: Uncertain significance for Hermansky-Pudlak syndrome 2. Last evaluated: 2018-10-31. Review status: criteria provided, single submitter. Criteria: ACMG Guidelines, 2015. Collection method: clinical testing. Allele origin: unknown.

Genome Diagnostics Laboratory, The Hospital for Sick Children
Classification: Uncertain significance for Autoinflammatory syndrome. Last evaluated: 2017-08-10. Review status: criteria provided, single submitter. Criteria: ACMG Guidelines, 2015. Collection method: clinical testing. Allele origin: germline. Affected: yes.